The following is an entry in ClinVar:

NM_032802.4(SPPL2A):c.514A>G (p.Met172Val)

Gene: SPPL2A (signal peptide peptidase like 2A; minus strand). Cytogenetic location: 15q21.2.
Variant type: single nucleotide variant.
Coding change: c.514A>G on transcript NM_032802.4 (MANE Select); coding-DNA position 514, A replaced by G.
Protein change: p.Met172Val; replaces methionine 172 with valine.
Molecular consequence: missense variant.
Genome position (GRCh38, 1-based): chr15:50,747,565, T>C on the plus strand (A>G on the coding strand, the complement: SPPL2A is on the minus strand). VCF-style: chr15-50747565-T-C. GRCh37 (hg19) VCF-style: chr15-51039762-T-C.
Other names: c.514A>G (NM_032802.3); short protein forms M172V.
Identifiers: ClinVar variation 1383361 (VCV001383361.7), dbSNP rs769326745, ClinGen allele CA7558489.

ClinVar aggregate classification (germline): Uncertain significance. Review status: criteria provided, multiple submitters, no conflicts (2 of 4 stars). 2 submissions from 2 submitters: Uncertain significance (2). Last evaluated 2025-08-24.

Allele frequency attached by ClinVar (database versions not stated): gnomAD 0.00001; gnomAD exomes 0.00002 and 0.00008; TOPMed 0.00006; ExAC 0.00008.

Submissions (2):

Ambry Genetics
Classification: Uncertain significance. Last evaluated: 2025-08-24. Review status: criteria provided, single submitter. Criteria: Ambry Variant Classification Scheme 2023. Collection method: clinical testing. Allele origin: germline.

Labcorp Genetics (formerly Invitae), Labcorp
Classification: Uncertain significance. Last evaluated: 2025-08-19. Review status: criteria provided, single submitter. Criteria: Invitae Variant Classification Sherloc (09022015). Collection method: clinical testing. Allele origin: germline.
Comment: This sequence change replaces methionine, which is neutral and non-polar, with valine, which is neutral and non-polar, at codon 172 of the SPPL2A protein (p.Met172Val). This variant is present in population databases (rs769326745, gnomAD 0.06%), and has an allele count higher than expected for a pathogenic variant. This variant has not been reported in the literature in individuals affected with SPPL2A-related conditions. ClinVar contains an entry for this variant (Variation ID: 1383361). An algorithm developed to predict the effect of missense changes on protein structure and function outputs the following: PolyPhen-2: "Benign". The valine amino acid residue is found in multiple mammalian species, which suggests that this missense change does not adversely affect protein function. In summary, the available evidence is currently insufficient to determine the role of this variant in disease. Therefore, it has been classified as a Variant of Uncertain Significance.